The following is an entry in ClinVar:

ClinVar aggregate classification (germline): Uncertain significance (1 of 4 stars; one submission).

Conditions:
Muscular dystrophy-dystroglycanopathy (congenital with impaired intellectual development), type B, 1. Also called: Muscular dystrophy-dystroglycanopathy (congenital with intellectual disability), type B1; MUSCULAR DYSTROPHY, CONGENITAL, POMT1-RELATED. Identifiers: MedGen C5436962, MONDO:0013159, OMIM 613155.
Walker-Warburg congenital muscular dystrophy. Also called: Muscular dystrophy-dystroglycanopathy, type A; Walker-Warburg syndrome. Identifiers: Orphanet 899, MedGen C0265221, MONDO:0000171.
Autosomal recessive limb-girdle muscular dystrophy type 2K. Also called: MUSCULAR DYSTROPHY-DYSTROGLYCANOPATHY (LIMB-GIRDLE), TYPE C, 1; MUSCULAR DYSTROPHY, LIMB-GIRDLE, TYPE 2K. Identifiers: Orphanet 86812, MedGen C1836373, MONDO:0012248, OMIM 609308.

Allele frequency attached by ClinVar (database versions not stated): ExAC 0.00001; gnomAD 0.00001; gnomAD exomes 0.00001; TOPMed 0.00001.
gnomAD v4.1: 5 of 1,611,712 alleles (0.00031%); highest among the groups gnomAD compares: East Asian, 0.0067%; no homozygotes.

Submission:

Labcorp Genetics (formerly Invitae), Labcorp
Classification: Uncertain significance for Muscular dystrophy-dystroglycanopathy (congenital with impaired intellectual development), type B, 1; Walker-Warburg congenital muscular dystrophy; Autosomal recessive limb-girdle muscular dystrophy type 2K. Last evaluated: 2022-05-13. Review status: criteria provided, single submitter. Criteria: Invitae Variant Classification Sherloc (09022015). Collection method: clinical testing. Allele origin: germline.
Comment: This sequence change replaces glycine, which is neutral and non-polar, with arginine, which is basic and polar, at codon 309 of the POMT1 protein (p.Gly309Arg). This variant is present in population databases (rs746438766, gnomAD 0.01%). This variant has not been reported in the literature in individuals affected with POMT1-related conditions. Algorithms developed to predict the effect of missense changes on protein structure and function are either unavailable or do not agree on the potential impact of this missense change (SIFT: "Deleterious"; PolyPhen-2: "Probably Damaging"; Align-GVGD: "Class C15"). Algorithms developed to predict the effect of sequence changes on RNA splicing suggest that this variant may create or strengthen a splice site. In summary, the available evidence is currently insufficient to determine the role of this variant in disease. Therefore, it has been classified as a Variant of Uncertain Significance.

NM_001077365.2(POMT1):c.859G>A (p.Gly287Arg)

Gene: POMT1 (protein O-mannosyltransferase 1; plus strand). Cytogenetic location: 9q34.13.
Variant type: single nucleotide variant.
Coding change: c.859G>A on transcript NM_001077365.2 (MANE Select); coding-DNA position 859, G replaced by A.
Protein change: p.Gly287Arg; replaces glycine 287 with arginine.
Molecular consequence: missense variant. On other transcripts: non-coding transcript variant (10).
Genome position (GRCh38, 1-based): chr9:131,511,340, G>A. VCF-style: chr9-131511340-G-A. GRCh37 (hg19) VCF-style: chr9-134386727-G-A.
Other names: c.697G>A, p.Gly233Arg (NM_001374693.1, NM_001077366.2, NM_001353194.2); c.469G>A, p.Gly157Arg (NM_001374695.1); c.-278G>A (NM_001411024.1); c.925G>A, p.Gly309Arg (NM_007171.4, NM_001353193.2); c.859G>A, p.Gly287Arg (NM_001136113.2, NM_001374690.1); c.508G>A, p.Gly170Arg (NM_001136114.2, NM_001353195.2, NM_001374691.1 and 1 more transcripts); c.769G>A, p.Gly257Arg (NM_001353196.2); c.763G>A, p.Gly255Arg (NM_001353197.2, NM_001353198.2); and 3 more; short protein forms G233R, R281K, G157R, G192R, G257R, G135R, G255R, G170R.
Identifiers: ClinVar variation 2137390 (VCV002137390.1), dbSNP rs746438766, ClinGen allele CA5293472.